The following is an entry in ClinVar:

NM_032656.4(DHX37):c.313G>T (p.Ala105Ser)

Gene: DHX37 (DEAH-box helicase 37; minus strand). Cytogenetic location: 12q24.31.
Variant type: single nucleotide variant.
Coding change: c.313G>T on transcript NM_032656.4 (MANE Select); coding-DNA position 313, G replaced by T.
Protein change: p.Ala105Ser; replaces alanine 105 with serine.
Molecular consequence: missense variant.
Genome position (GRCh38, 1-based): chr12:124,982,587, C>A on the plus strand (G>T on the coding strand, the complement: DHX37 is on the minus strand). VCF-style: chr12-124982587-C-A. GRCh37 (hg19) VCF-style: chr12-125467133-C-A.
Other names: short protein forms A105S.
Identifiers: ClinVar variation 2057157 (VCV002057157.4), dbSNP rs758478303, ClinGen allele CA6872478.

ClinVar aggregate classification (germline): Uncertain significance (1 of 4 stars; one submission).

Allele frequency attached by ClinVar (database versions not stated): TOPMed below 0.00001; gnomAD exomes 0.00002; ExAC 0.00005.
gnomAD v4.1: 12 of 1,613,674 alleles (0.00074%); highest among the groups gnomAD compares: Admixed American, 0.02%; no homozygotes.

Submission:

Labcorp Genetics (formerly Invitae), Labcorp
Classification: Uncertain significance. Last evaluated: 2025-09-02. Review status: criteria provided, single submitter. Criteria: Invitae Variant Classification Sherloc (09022015). Collection method: clinical testing. Allele origin: germline.
Comment: This sequence change replaces alanine, which is neutral and non-polar, with serine, which is neutral and polar, at codon 105 of the DHX37 protein (p.Ala105Ser). This variant is present in population databases (rs758478303, gnomAD 0.03%). This variant has not been reported in the literature in individuals affected with DHX37-related conditions. ClinVar contains an entry for this variant (Variation ID: 2057157). An algorithm developed to predict the effect of missense changes on protein structure and function (PolyPhen-2) suggests that this variant is likely to be tolerated. In summary, the available evidence is currently insufficient to determine the role of this variant in disease. Therefore, it has been classified as a Variant of Uncertain Significance.